The following is an entry in ClinVar:

ClinVar aggregate classification (germline): Pathogenic (1 of 4 stars; one submission).

Submission:

Labcorp Genetics (formerly Invitae), Labcorp
Classification: Pathogenic. Last evaluated: 2023-07-31. Review status: criteria provided, single submitter. Criteria: Invitae Variant Classification Sherloc (09022015). Collection method: clinical testing. Allele origin: germline.
Comment: This sequence change falls in intron 30 of the ABCA4 gene. It does not directly change the encoded amino acid sequence of the ABCA4 protein. This variant is not present in population databases (gnomAD no frequency). For these reasons, this variant has been classified as Pathogenic. Studies have shown that this variant alters mRNA splicing and is expected to lead to the loss of protein expression (PMID: 30643219). ClinVar contains an entry for this variant (Variation ID: 2418845). This variant has been observed in individual(s) with Stargardt Disease (PMID: 30643219, 30670881). In at least one individual the data is consistent with being in trans (on the opposite chromosome) from a pathogenic variant.

Literature cited by the submitters: PubMed 30643219; PubMed 30670881.

NM_000350.3(ABCA4):c.4539+1106C>T

Gene: ABCA4 (ATP binding cassette subfamily A member 4; minus strand). Cytogenetic location: 1p22.1.
Variant type: single nucleotide variant.
Coding change: c.4539+1106C>T on transcript NM_000350.3 (MANE Select); 1106 bases into the intron after coding-DNA position 4539, C replaced by T.
Molecular consequence: intron variant.
Genome position (GRCh38, 1-based): chr1:94,028,339, G>A on the plus strand (C>T on the coding strand, the complement: ABCA4 is on the minus strand). VCF-style: chr1-94028339-G-A. GRCh37 (hg19) VCF-style: chr1-94493895-G-A.
Identifiers: ClinVar variation 2418845 (VCV002418845.6), dbSNP rs1660092575, ClinGen allele CA1181413757.
Genomic context (GRCh38, chr1:94,028,339, plus strand): 5'-GAGGCCCATTATCAACCACGGACACAGCCTTCTTTGATGTCTCTAAATCCCCCAGGAGAT[G>A]CTCACTGTAATCTGTTCTGGACTTTAGAACTCCCAGGACAGGGTGCTGCTCAGAGCCAAG-3'